The following is an entry in ClinVar:

ClinVar aggregate classification (germline): Uncertain significance (1 of 4 stars; one submission).

Conditions:
Brugada syndrome 8 (BRGDA8). Identifiers: Orphanet 130, MedGen C2751083, MONDO:0013148, OMIM 613123.

Submission:

Labcorp Genetics (formerly Invitae), Labcorp
Classification: Uncertain significance for Brugada syndrome 8. Last evaluated: 2022-11-22. Review status: criteria provided, single submitter. Criteria: Invitae Variant Classification Sherloc (09022015). Collection method: clinical testing. Allele origin: germline.
Comment: This sequence change creates a premature translational stop signal (p.Lys86*) in the HCN4 gene. It is expected to result in an absent or disrupted protein product. However, the current clinical and genetic evidence is not sufficient to establish whether loss-of-function variants in HCN4 cause disease. This variant is not present in population databases (gnomAD no frequency). This variant has not been reported in the literature in individuals affected with HCN4-related conditions. In summary, the available evidence is currently insufficient to determine the role of this variant in disease. Therefore, it has been classified as a Variant of Uncertain Significance.

NM_005477.3(HCN4):c.256A>T (p.Lys86Ter)

Gene: HCN4 (hyperpolarization activated cyclic nucleotide gated potassium channel 4; minus strand). Cytogenetic location: 15q24.1.
Variant type: single nucleotide variant.
Coding change: c.256A>T on transcript NM_005477.3 (MANE Select); coding-DNA position 256, A replaced by T.
Protein change: p.Lys86Ter; replaces lysine 86 with a stop codon.
Molecular consequence: nonsense.
Genome position (GRCh38, 1-based): chr15:73,368,015, T>A on the plus strand (A>T on the coding strand, the complement: HCN4 is on the minus strand). VCF-style: chr15-73368015-T-A. GRCh37 (hg19) VCF-style: chr15-73660356-T-A.
Other names: short protein forms K86*.
Identifiers: ClinVar variation 2104063 (VCV002104063.4), dbSNP rs1472909888, ClinGen allele CA393098576.
Genomic context (GRCh38, chr15:73,368,015, plus strand): 5'-GGCTGCCCAGCGAGGCCAGGCTCCCGCGGAAGCGCCTGCAGTCGCCGTTCGTGCTGGACT[T>A]GCCCGCGCCGCGGGCCGGCCCTTCGCTGTCCGCTGCCCCGAGGGCCGAGCTCCGGGACTC-3'